The following is an entry in ClinVar:

NM_000059.4(BRCA2):c.8395A>T (p.Arg2799Ter)

Gene: BRCA2 (BRCA2 DNA repair associated; plus strand). Cytogenetic location: 13q13.1.
Variant type: single nucleotide variant.
Coding change: c.8395A>T on transcript NM_000059.4 (MANE Select); coding-DNA position 8395, A replaced by T.
Protein change: p.Arg2799Ter; replaces arginine 2799 with a stop codon.
Molecular consequence: nonsense.
Genome position (GRCh38, 1-based): chr13:32,370,465, A>T. VCF-style: chr13-32370465-A-T. GRCh37 (hg19) VCF-style: chr13-32944602-A-T.
Other names: 8623A>T; short protein forms R2799*.
Identifiers: ClinVar variation 267082 (VCV000267082.5), dbSNP rs886040771, ClinGen allele CA10589494.
Genomic context (GRCh38, chr13:32,370,465, plus strand): 5'-TCTGCTAACAGTACTCGGCCTGCTCGCTGGTATACCAAACTTGGATTCTTTCCTGACCCT[A>T]GACCTTTTCCTCTGCCCTTATCATCGCTTTTCAGTGATGGAGGAAATGTTGGTTGTGTTG-3'

ClinVar aggregate classification (germline): Pathogenic. Review status: reviewed by expert panel (3 of 4 stars). 2 submissions from 2 submitters: Pathogenic (1). 1 of the submissions does not count toward it. Last evaluated 2016-10-18.

Conditions:
Breast-ovarian cancer, familial, susceptibility to, 2 (BROVCA2). Also called: BRCA2 Hereditary Breast and Ovarian Cancer. Identifiers: Orphanet 145, MedGen C2675520, MONDO:0012933, OMIM 612555. Disease mechanism: loss of function.

Submissions (2):

Evidence-based Network for the Interpretation of Germline Mutant Alleles (ENIGMA)
Classification: Pathogenic for Breast-ovarian cancer, familial, susceptibility to, 2. Last evaluated: 2016-10-18. Review status: reviewed by expert panel. Criteria: ENIGMA BRCA1/2 Classification Criteria (2015). Collection method: curation. Allele origin: germline.
Comment: Variant allele predicted to encode a truncated non-functional protein.

Consortium of Investigators of Modifiers of BRCA1/2 (CIMBA), c/o University of Cambridge
Classification: Pathogenic for Breast-ovarian cancer, familial, susceptibility to, 2. Last evaluated: 2015-10-02. Review status: criteria provided, single submitter. Criteria: CIMBA Mutation Classification guidelines May 2016. Collection method: clinical testing. Allele origin: germline. Not counted in ClinVar's aggregate classification.